The following is an entry in ClinVar:

NM_032043.3(BRIP1):c.2705T>C (p.Ile902Thr)

Gene: BRIP1 (BRCA1 interacting DNA helicase 1; minus strand). Cytogenetic location: 17q23.2.
Variant type: single nucleotide variant.
Coding change: c.2705T>C on transcript NM_032043.3 (MANE Select); coding-DNA position 2705, T replaced by C.
Protein change: p.Ile902Thr; replaces isoleucine 902 with threonine.
Molecular consequence: missense variant.
Genome position (GRCh38, 1-based): chr17:61,686,036, A>G on the plus strand (T>C on the coding strand, the complement: BRIP1 is on the minus strand). VCF-style: chr17-61686036-A-G. GRCh37 (hg19) VCF-style: chr17-59763397-A-G.
Other names: p.Ile902Thr; short protein forms I902T.
Identifiers: ClinVar variation 407876 (VCV000407876.26), dbSNP rs1060501781, ClinGen allele CA16615780.

ClinVar aggregate classification (germline): Conflicting classifications of pathogenicity. Review status: criteria provided, conflicting classifications (1 of 4 stars). 7 submissions from 7 submitters: Uncertain significance (6); Likely benign (1). Last evaluated 2026-01-25.

Conditions:
Hereditary cancer-predisposing syndrome. Also called: Hereditary neoplastic syndrome; Neoplastic Syndromes, Hereditary; Tumor predisposition; Hereditary Cancer Syndrome. Identifiers: Orphanet 140162, MedGen C0027672, MeSH D009386, MONDO:0015356.
Familial ovarian cancer. Identifiers: MedGen C5679802, MONDO:0016248.
Familial cancer of breast. Also called: Hereditary breast cancer; hereditary breast carcinoma; BREAST CANCER, FAMILIAL. Identifiers: Orphanet 227535, MedGen C0346153, MONDO:0016419, OMIM 114480. Disease mechanism: loss of function.
Fanconi anemia complementation group J. Also called: BRIP1-Related Fanconi Anemia. Identifiers: Orphanet 84, MedGen C1836860, MONDO:0012187, OMIM 609054.

Allele frequency attached by ClinVar (database versions not stated): gnomAD exomes below 0.00001 and 0.00001; gnomAD 0.00001; TOPMed 0.00002.
gnomAD v4.1: 19 of 1,613,820 alleles (0.0012%); highest among the groups gnomAD compares: Non-Finnish European, 0.0014%; no homozygotes.

Submissions (7):

Labcorp Genetics (formerly Invitae), Labcorp
Classification: Uncertain significance for Familial cancer of breast; Fanconi anemia complementation group J. Last evaluated: 2026-01-25. Review status: criteria provided, single submitter. Criteria: Invitae Variant Classification Sherloc (09022015). Collection method: clinical testing. Allele origin: germline.
Comment: This sequence change replaces isoleucine, which is neutral and non-polar, with threonine, which is neutral and polar, at codon 902 of the BRIP1 protein (p.Ile902Thr). This variant is present in population databases (no rsID available, gnomAD 0.0009%). This missense change has been observed in individual(s) with pancreatic cancer and breast cancer (PMID: 25186627, 28767289). ClinVar contains an entry for this variant (Variation ID: 407876). Invitae Evidence Modeling of protein sequence and biophysical properties (such as structural, functional, and spatial information, amino acid conservation, physicochemical variation, residue mobility, and thermodynamic stability) indicates that this missense variant is not expected to disrupt BRIP1 protein function with a negative predictive value of 95%. In summary, the available evidence is currently insufficient to determine the role of this variant in disease. Therefore, it has been classified as a Variant of Uncertain Significance.

Molecular Pathology, Peter Maccallum Cancer Centre
Classification: Uncertain significance for Familial ovarian cancer. Last evaluated: 2025-03-19. Review status: criteria provided, single submitter. Criteria: ACMG Guidelines, 2015. Collection method: clinical testing. Allele origin: germline. Inheritance: Autosomal dominant inheritance.

Ambry Genetics
Classification: Likely benign for Hereditary cancer-predisposing syndrome. Last evaluated: 2024-03-08. Review status: criteria provided, single submitter. Criteria: Ambry Variant Classification Scheme 2023. Collection method: clinical testing. Allele origin: germline.

Mayo Clinic Laboratories, Mayo Clinic
Classification: Uncertain significance. Last evaluated: 2022-07-19. Review status: criteria provided, single submitter. Criteria: ACMG Guidelines, 2015. Collection method: clinical testing. Allele origin: germline. Observed: 1 variant allele.
Comment: BP4, PM2

Color Diagnostics, LLC DBA Color Health
Classification: Uncertain significance for Hereditary cancer-predisposing syndrome. Last evaluated: 2022-07-11. Review status: criteria provided, single submitter. Criteria: ACMG Guidelines, 2015. Collection method: clinical testing. Allele origin: germline.
Comment: This missense variant replaces isoleucine with threonine at codon 902 of the BRIP1 protein. Computational prediction suggests that this variant may not impact protein structure and function (internally defined REVEL score threshold <= 0.5, PMID: 27666373). To our knowledge, functional studies have not been reported for this variant. A different DNA substitution resulting in the same protein consequence (c.2705A>G; p.Ile902Thr) has not been reported in an individual affected with pancreatic cancer (PMID: 28767289). This variant has been identified in 1/251352 chromosomes in the general population by the Genome Aggregation Database (gnomAD). The available evidence is insufficient to determine the role of this variant in disease conclusively. Therefore, this variant is classified as a Variant of Uncertain Significance.

GeneDx
Classification: Uncertain significance. Last evaluated: 2022-06-01. Review status: criteria provided, single submitter. Criteria: GeneDx Variant Classification Process June 2021. Collection method: clinical testing. Allele origin: germline. Affected: yes.
Comment: Not observed at a significant frequency in large population cohorts (gnomAD); In silico analysis supports that this missense variant does not alter protein structure/function; Observed in individuals with breast or pancreatic cancer (Tung 2015, Shindo 2017); This variant is associated with the following publications: (PMID: 25186627, 28767289, 32659497, 11301010)

Women's Health and Genetics/Laboratory Corporation of America, LabCorp
Classification: Uncertain significance. Last evaluated: 2019-09-12. Review status: criteria provided, single submitter. Criteria: LabCorp Variant Classification Summary - May 2015. Collection method: clinical testing. Allele origin: germline.
Comment: Variant summary: BRIP1 c.2705T>C (p.Ile902Thr) results in a non-conservative amino acid change in the encoded protein sequence. Four of five in-silico tools predict a benign effect of the variant on protein function. The variant allele was found at a frequency of 4e-06 in 251352 control chromosomes. The available data on variant occurrences in the general population are insufficient to allow any conclusion about variant significance. c.2705T>C has been reported in the literature in individuals affected with breast cancer and pancreatic cancer (Shindo_2017, Tung_2015). These reports do not provide unequivocal conclusions about association of the variant with Hereditary Breast and Ovarian Cancer. To our knowledge, no experimental evidence demonstrating an impact on protein function has been reported. Two other clinical diagnostic laboratories have submitted clinical-significance assessments for this variant to ClinVar after 2014 without evidence for independent evaluation. All laboratories classified the variant as uncertain significance. Based on the evidence outlined above, the variant was classified as uncertain significance.

Literature cited by the submitters: PubMed 25186627 (cited by 3 submitters); PubMed 28767289 (cited by 5 submitters); PubMed 32659497 (cited by Mayo Clinic Laboratories, Mayo Clinic).